The following is an entry in ClinVar:

ClinVar aggregate classification (germline): Uncertain significance. Review status: criteria provided, multiple submitters, no conflicts (2 of 4 stars). 2 submissions from 2 submitters: Uncertain significance (2). Last evaluated 2026-07-08.

Conditions:
Hereditary cancer-predisposing syndrome. Also called: Hereditary Cancer Syndrome; Tumor predisposition; Neoplastic Syndromes, Hereditary; Hereditary neoplastic syndrome. Identifiers: Orphanet 140162, MedGen C0027672, MeSH D009386, MONDO:0015356.
Renal cell carcinoma. Identifiers: Orphanet 217071, MedGen C0007134, MeSH D002292, MONDO:0005086, HP:0005584.

Submissions (2):

Ambry Genetics
Classification: Uncertain significance for Hereditary cancer-predisposing syndrome. Last evaluated: 2026-07-08. Review status: criteria provided, single submitter. Criteria: Ambry Variant Classification Scheme 2023. Collection method: clinical testing. Allele origin: germline.
Comment: The p.G1113E variant (also known as c.3338G>A), located in coding exon 15 of the MET gene, results from a G to A substitution at nucleotide position 3338. The glycine at codon 1113 is replaced by glutamic acid, an amino acid with similar properties. This amino acid position is highly conserved in available vertebrate species. In addition, this alteration is predicted to be deleterious by in silico analysis. Based on the available evidence, the clinical significance of this variant remains unclear.

Labcorp Genetics (formerly Invitae), Labcorp
Classification: Uncertain significance for Renal cell carcinoma. Last evaluated: 2025-04-29. Review status: criteria provided, single submitter. Criteria: Invitae Variant Classification Sherloc (09022015). Collection method: clinical testing. Allele origin: germline.
Comment: This sequence change replaces glycine, which is neutral and non-polar, with glutamic acid, which is acidic and polar, at codon 1113 of the MET protein (p.Gly1113Glu). This variant is not present in population databases (gnomAD no frequency). This variant has not been reported in the literature in individuals affected with MET-related conditions. ClinVar contains an entry for this variant (Variation ID: 1441986). Invitae Evidence Modeling of protein sequence and biophysical properties (such as structural, functional, and spatial information, amino acid conservation, physicochemical variation, residue mobility, and thermodynamic stability) indicates that this missense variant is expected to disrupt MET protein function with a positive predictive value of 80%. In summary, the available evidence is currently insufficient to determine the role of this variant in disease. Therefore, it has been classified as a Variant of Uncertain Significance.

NM_000245.4(MET):c.3284G>A (p.Gly1095Glu)

Gene: MET (MET proto-oncogene, receptor tyrosine kinase; plus strand). Cytogenetic location: 7q31.2.
Variant type: single nucleotide variant.
Coding change: c.3284G>A on transcript NM_000245.4 (MANE Select); coding-DNA position 3284, G replaced by A.
Protein change: p.Gly1095Glu; replaces glycine 1095 with glutamic acid.
Molecular consequence: missense variant.
Genome position (GRCh38, 1-based): chr7:116,777,413, G>A. VCF-style: chr7-116777413-G-A. GRCh37 (hg19) VCF-style: chr7-116417467-G-A.
Other names: c.3338G>A, p.Gly1113Glu (NM_001127500.3); c.1994G>A, p.Gly665Glu (NM_001324402.2); short protein forms G1095E, G1113E, G665E.
Identifiers: ClinVar variation 1441986 (VCV001441986.11), dbSNP rs1795029105, ClinGen allele CA368989609.